The following is an entry in ClinVar:

NM_015466.4(PTPN23):c.4720TCC[2] (p.Ser1576del)

Gene: PTPN23 (protein tyrosine phosphatase non-receptor type 23; plus strand). Cytogenetic location: 3p21.31.
Variant type: Microsatellite.
Coding change: c.4720TCC[2] on transcript NM_015466.4 (MANE Select); two copies in a row of the 3-base unit TCC starting at c.4720; the reference has three copies in a row; one copy, 3 bases deleted.
Protein change: p.Ser1576del; deletes serine 1576.
Molecular consequence: inframe deletion.
Genome position (GRCh38, 1-based): chr3:47,413,000-47,413,002, TCC deleted; deleting any 3 consecutive bases within chr3:47,412,992-47,413,002 gives the same sequence; the position shown is the placement nearest the transcript's 3' end. VCF-style (leftmost placement, unchanged base first): chr3-47412991-CCCT-C. GRCh37 (hg19) VCF-style: chr3-47454481-CCCT-C.
Other names: c.4342TCC[2], p.Ser1450del (NM_001304482.2); short protein forms S1576del, S1450del.
Identifiers: ClinVar variation 1525410 (VCV001525410.6), dbSNP rs768367262, ClinGen allele CA2366689.

ClinVar aggregate classification (germline): Uncertain significance (1 of 4 stars; one submission).

Submission:

Labcorp Genetics (formerly Invitae), Labcorp
Classification: Uncertain significance. Last evaluated: 2023-08-30. Review status: criteria provided, single submitter. Criteria: Invitae Variant Classification Sherloc (09022015). Collection method: clinical testing. Allele origin: germline.
Comment: In summary, the available evidence is currently insufficient to determine the role of this variant in disease. Therefore, it has been classified as a Variant of Uncertain Significance. Experimental studies and prediction algorithms are not available or were not evaluated, and the functional significance of this variant is currently unknown. This variant has not been reported in the literature in individuals affected with PTPN23-related conditions. This variant is present in population databases (rs768367262, gnomAD 0.0009%). This variant, c.4726_4728del, results in the deletion of 1 amino acid(s) of the PTPN23 protein (p.Ser1576del), but otherwise preserves the integrity of the reading frame.